The following is an entry in ClinVar:

NM_016284.5(CNOT1):c.4753A>G (p.Thr1585Ala)

Gene: CNOT1 (CCR4-NOT transcription complex subunit 1; minus strand). Cytogenetic location: 16q21.
Variant type: single nucleotide variant.
Coding change: c.4753A>G on transcript NM_016284.5 (MANE Select); coding-DNA position 4753, A replaced by G.
Protein change: p.Thr1585Ala; replaces threonine 1585 with alanine.
Molecular consequence: missense variant. On other transcripts: non-coding transcript variant (1).
Genome position (GRCh38, 1-based): chr16:58,541,548, T>C on the plus strand (A>G on the coding strand, the complement: CNOT1 is on the minus strand). VCF-style: chr16-58541548-T-C. GRCh37 (hg19) VCF-style: chr16-58575452-T-C.
Other names: c.4738A>G, p.Thr1580Ala (NM_001265612.2); short protein forms T1580A, T1585A.
Identifiers: ClinVar variation 4528236 (VCV004528236.2).
Genomic context (GRCh38, chr16:58,541,548, plus strand): 5'-AAAACACATTTACCTTCATGGGCTGGGCTAAAAATCCCGTGGGCTGACTTAAGTCATTTG[T>C]AGGTAAGAAGCCAGGAACATTGCGTGCAAACTCTTCGTAAACAGCCAACTGCTTTGGGTC-3'
Protein context (NP_057368.3, residues 1575-1595): FARNVPGFLP[Thr1585Ala]NDLSQPTGFL

ClinVar aggregate classification (germline): Uncertain significance (1 of 4 stars; one submission).

gnomAD v4.1: 1 of 1,614,058 alleles (0.000062%); highest among the groups gnomAD compares: Non-Finnish European, 0.000085%; no homozygotes.

Submission:

GeneDx
Classification: Uncertain significance. Last evaluated: 2026-01-26. Review status: criteria provided, single submitter. Criteria: GeneDx Variant Classification Process June 2021. Collection method: clinical testing. Allele origin: germline.
Comment: Not observed at significant frequency in large population cohorts (gnomAD); In silico analysis suggests that this missense variant does not alter protein structure/function; Has not been previously published as pathogenic or benign to our knowledge